The following is an entry in ClinVar:

ClinVar aggregate classification (germline): Uncertain significance (1 of 4 stars; one submission).

Allele frequency attached by ClinVar (database versions not stated): TOPMed 0.00002.
gnomAD v4.1: 2 of 1,613,918 alleles (0.00012%); highest among the groups gnomAD compares: African/African-American, 0.0013%; no homozygotes.

Submission:

GeneDx
Classification: Uncertain significance. Last evaluated: 2022-11-30. Review status: criteria provided, single submitter. Criteria: GeneDx Variant Classification Process June 2021. Collection method: clinical testing. Allele origin: germline. Affected: yes.
Comment: In silico analysis supports that this missense variant does not alter protein structure/function; Has not been previously published as pathogenic or benign to our knowledge

NM_000834.5(GRIN2B):c.3496T>A (p.Ser1166Thr)

Gene: GRIN2B (glutamate ionotropic receptor NMDA type subunit 2B; minus strand). Cytogenetic location: 12p13.1.
Variant type: single nucleotide variant.
Coding change: c.3496T>A on transcript NM_000834.5 (MANE Select); coding-DNA position 3496, T replaced by A.
Protein change: p.Ser1166Thr; replaces serine 1166 with threonine.
Molecular consequence: missense variant.
Genome position (GRCh38, 1-based): chr12:13,563,742, A>T on the plus strand (T>A on the coding strand, the complement: GRIN2B is on the minus strand). VCF-style: chr12-13563742-A-T. GRCh37 (hg19) VCF-style: chr12-13716676-A-T.
Other names: c.3496T>A, p.Ser1166Thr (NM_001413992.1); short protein forms S1166T.
Identifiers: ClinVar variation 2504204 (VCV002504204.1), dbSNP rs942708350, ClinGen allele CA233133662.